The following is an entry in ClinVar:

NM_020937.4(FANCM):c.1924A>G (p.Ile642Val)

Gene: FANCM (FA complementation group M; plus strand). Cytogenetic location: 14q21.2.
Variant type: single nucleotide variant.
Coding change: c.1924A>G on transcript NM_020937.4 (MANE Select); coding-DNA position 1924, A replaced by G.
Protein change: p.Ile642Val; replaces isoleucine 642 with valine.
Molecular consequence: missense variant.
Genome position (GRCh38, 1-based): chr14:45,167,085, A>G. VCF-style: chr14-45167085-A-G. GRCh37 (hg19) VCF-style: chr14-45636288-A-G.
Other names: c.1846A>G, p.Ile616Val (NM_001308133.2); c.1924A>G, p.Ile642Val (NM_001308134.2); short protein forms I642V, I616V.
Identifiers: ClinVar variation 456257 (VCV000456257.9), dbSNP rs1555363268, ClinGen allele CA389595072.

ClinVar aggregate classification (germline): Uncertain significance. Review status: criteria provided, multiple submitters, no conflicts (2 of 4 stars). 2 submissions from 2 submitters: Uncertain significance (2). Last evaluated 2025-01-06.

Conditions:
Inborn genetic diseases. Identifiers: MedGen C0950123, MeSH D030342.
Fanconi anemia (FA). Also called: Fanconi's anemia. Identifiers: Orphanet 84, MedGen C0015625, MeSH D005199, MONDO:0019391.

Allele frequency attached by ClinVar (database versions not stated): gnomAD exomes below 0.00001.
gnomAD v4.1: 3 of 1,613,864 alleles (0.00019%); highest among the groups gnomAD compares: South Asian, 0.0011%; no homozygotes.

Submissions (2):

Ambry Genetics
Classification: Uncertain significance for Inborn genetic diseases. Last evaluated: 2025-01-06. Review status: criteria provided, single submitter. Criteria: Ambry Variant Classification Scheme 2023. Collection method: clinical testing. Allele origin: germline.
Comment: The p.I642V variant (also known as c.1924A>G), located in coding exon 11 of the FANCM gene, results from an A to G substitution at nucleotide position 1924. The isoleucine at codon 642 is replaced by valine, an amino acid with highly similar properties. This amino acid position is conserved. In addition, this alteration is predicted to be tolerated by in silico analysis. Based on the available evidence, the clinical significance of this variant remains unclear.

Labcorp Genetics (formerly Invitae), Labcorp
Classification: Uncertain significance for Fanconi anemia. Last evaluated: 2017-07-19. Review status: criteria provided, single submitter. Criteria: Invitae Variant Classification Sherloc (09022015). Collection method: clinical testing. Allele origin: germline.
Comment: This sequence change replaces isoleucine with valine at codon 642 of the FANCM protein (p.Ile642Val). The isoleucine residue is highly conserved and there is a small physicochemical difference between isoleucine and valine. In summary, the available evidence is currently insufficient to determine the role of this variant in disease. Therefore, it has been classified as a Variant of Uncertain Significance. Algorithms developed to predict the effect of missense changes on protein structure and function do not agree on the potential impact of this missense change (SIFT: "Tolerated"; PolyPhen-2: "Possibly Damaging"; Align-GVGD: "Class C0"). This variant has not been reported in the literature in individuals with FANCM-related disease. This variant is not present in population databases (ExAC no frequency).